The following is an entry in ClinVar:

ClinVar aggregate classification (germline): Uncertain significance (1 of 4 stars; one submission).

Conditions:
Inflammatory bowel disease 10 (IBD10). Identifiers: MedGen C1970207, MONDO:0012610, OMIM 611081.

Submission:

Paediatric Laboratory, Institute for Maternal and Child Health - IRCCS Burlo Garofolo
Classification: Uncertain significance for Inflammatory bowel disease 10. Last evaluated: 2024-12-02. Review status: criteria provided, single submitter. Criteria: ACMG Guidelines, 2015. Collection method: clinical testing. Allele origin: germline. Affected: yes.
Comment: Polymorphisms in the ATG16L1 have been associated in the literature with an increased risk of inflammatory bowel disease. The NM_017974.4:c.773G>A variant, predicted to result in the substitution of the arginine residue in position 258 with a glutammine, has been identified in 2056 out of 1,613,906 exomes and genomes in gnomAD v4.1.0 and appears to be particularly common in the European Non-Finnish population (allele frequency: 0.17%).

Literature cited by the submitters: PubMed 30166421.

NM_030803.7(ATG16L1):c.773G>A (p.Arg258Gln)

Gene: ATG16L1 (autophagy related 16 like 1; plus strand). Cytogenetic location: 2q37.1.
Variant type: single nucleotide variant.
Coding change: c.773G>A on transcript NM_030803.7 (MANE Select); coding-DNA position 773, G replaced by A.
Protein change: p.Arg258Gln; replaces arginine 258 with glutamine.
Molecular consequence: missense variant.
Genome position (GRCh38, 1-based): chr2:233,273,031, G>A. VCF-style: chr2-233273031-G-A. GRCh37 (hg19) VCF-style: chr2-234181677-G-A.
Other names: NM_030803.7:c.773G>A; NP_060444.3:p.(Arg258Gln); NP_110430.5:p.(Arg258Gln); c.521G>A, p.Arg174Gln (NM_001190266.2); c.425G>A, p.Arg142Gln (NM_001190267.2); c.773G>A, p.Arg258Gln (NM_001363742.2, NM_017974.4); c.341G>A, p.Arg114Gln (NM_198890.3); short protein forms R114Q, R142Q, R174Q, R258Q.
Identifiers: ClinVar variation 3393345 (VCV003393345.2).